The following is an entry in ClinVar:

NM_001360.3(DHCR7):c.111G>A (p.Trp37Ter)

Gene: DHCR7 (7-dehydrocholesterol reductase; minus strand). Cytogenetic location: 11q13.4.
Variant type: single nucleotide variant.
Coding change: c.111G>A on transcript NM_001360.3 (MANE Select); coding-DNA position 111, G replaced by A.
Protein change: p.Trp37Ter; replaces tryptophan 37 with a stop codon.
Molecular consequence: nonsense.
Genome position (GRCh38, 1-based): chr11:71,444,203, C>T on the plus strand (G>A on the coding strand, the complement: DHCR7 is on the minus strand). VCF-style: chr11-71444203-C-T. GRCh37 (hg19) VCF-style: chr11-71155249-C-T.
Other names: c.111G>A, p.Trp37Ter (NM_001163817.2); short protein forms W37*.
Identifiers: ClinVar variation 189168 (VCV000189168.15), dbSNP rs750345068, ClinGen allele CA274449.

ClinVar aggregate classification (germline): Pathogenic/Likely pathogenic. Review status: criteria provided, multiple submitters, no conflicts (2 of 4 stars). 7 submissions from 7 submitters: Pathogenic (3); Likely pathogenic (2). 2 of the submissions do not count toward it. Last evaluated 2025-09-19.

Conditions:
DHCR7-related disorder. Also called: DHCR7-related condition.
Smith-Lemli-Opitz syndrome (SLOS). Also called: LETHAL ACRODYSGENITAL SYNDROME; POLYDACTYLY, SEX REVERSAL, RENAL HYPOPLASIA, AND UNILOBAR LUNG; RSH SYNDROME; RUTLEDGE LETHAL MULTIPLE CONGENITAL ANOMALY SYNDROME; 7-Dehydrocholesterol reductase deficiency. Identifiers: Orphanet 818, MedGen C0175694, MONDO:0010035, OMIM 270400.

Allele frequency attached by ClinVar (database versions not stated): gnomAD exomes 0.00001 and 0.00002; gnomAD 0.00003; ExAC 0.00006.

Submissions (7):

Natera, Inc.
Classification: Pathogenic for Smith-Lemli-Opitz syndrome. Last evaluated: 2025-09-19. Review status: criteria provided, single submitter. Criteria: Natera Variant Classification Schema (03/2026). Collection method: clinical testing. Allele origin: germline.
Comment: The c.111G>A variant in DHCR7 is a nonsense variant predicted to introduce a stop codon at amino acid 37. This variant is expected to result in nonsense mediated decay, truncation, or a dysfunctional protein product. This variant is rare in the general population with a frequency below the threshold expected for the associated phenotype(s). This variant has been observed in one or more individuals affected with the associated recessive disease, as either homozygous or compound heterozygous with a second variant (PMID: 16983147). Given the available evidence, this variant is classified as Pathogenic.

Labcorp Genetics (formerly Invitae), Labcorp
Classification: Pathogenic for Smith-Lemli-Opitz syndrome. Last evaluated: 2024-02-24. Review status: criteria provided, single submitter. Criteria: Invitae Variant Classification Sherloc (09022015). Collection method: clinical testing. Allele origin: germline.
Comment: This sequence change creates a premature translational stop signal (p.Trp37*) in the DHCR7 gene. It is expected to result in an absent or disrupted protein product. Loss-of-function variants in DHCR7 are known to be pathogenic (PMID: 9634533, 10677299). The frequency data for this variant in the population databases is considered unreliable, as metrics indicate poor data quality at this position in the gnomAD database. This premature translational stop signal has been observed in individual(s) with clinical features of Smith–Lemli–Opitz syndrome (PMID: 10814720). ClinVar contains an entry for this variant (Variation ID: 189168). For these reasons, this variant has been classified as Pathogenic.

Blueprint Genetics
Classification: Likely pathogenic for DHCR7-related disorders. Last evaluated: 2022-10-25. Review status: criteria provided, single submitter. Criteria: ACMG Guidelines, 2015. Collection method: clinical testing. Allele origin: germline. Affected: yes. Observed: 2 variant alleles.

Women's Health and Genetics/Laboratory Corporation of America, LabCorp
Classification: Likely pathogenic for Smith-Lemli-Opitz syndrome. Last evaluated: 2022-03-05. Review status: criteria provided, single submitter. Criteria: LabCorp Variant Classification Summary - May 2015. Collection method: clinical testing. Allele origin: germline.
Comment: Variant summary: DHCR7 c.111G>A (p.Trp37X) results in a premature termination codon, predicted to cause a truncation of the encoded protein or absence of the protein due to nonsense mediated decay, which are commonly known mechanisms for disease. Truncations downstream of this position have been classified as pathogenic by our laboratory. The variant allele was found at a frequency of 1.9e-05 in 210516 control chromosomes. c.111G>A has been reported in the literature with an ambiguous annotation as E37X without a second reported allele in at-least one individual affected with Smith-Lemli-Opitz Syndrome (example, Yu_2000). These report(s) do not provide unequivocal conclusions about association of the variant with Smith-Lemli-Opitz Syndrome. To our knowledge, no experimental evidence demonstrating an impact on protein function has been reported. One clinical diagnostic laboratory has submitted clinical-significance assessments for this variant to ClinVar after 2014 without evidence for independent evaluation and classified the variant as likely pathogenic. Based on the evidence outlined above, the variant was classified as likely pathogenic.

Fulgent Genetics
Classification: Pathogenic for Smith-Lemli-Opitz syndrome. Last evaluated: 2021-07-07. Review status: criteria provided, single submitter. Criteria: ACMG Guidelines, 2015. Collection method: clinical testing. Allele origin: unknown.

Counsyl
Classification: Likely pathogenic for Smith-Lemli-Opitz syndrome. Last evaluated: 2015-01-30. Review status: no assertion criteria provided. Collection method: literature only. Allele origin: unknown. Inheritance: Autosomal recessive inheritance. Not counted in ClinVar's aggregate classification.

OMIM
Classification: Pathogenic for SMITH-LEMLI-OPITZ SYNDROME. Last evaluated: 2000-05-22. Review status: no assertion criteria provided. Collection method: literature only. Allele origin: germline. Not counted in ClinVar's aggregate classification.

Literature cited by the submitters: PubMed 16983147 (cited by Natera, Inc. and Counsyl); PubMed 9634533 (cited by Labcorp Genetics (formerly Invitae), Labcorp); PubMed 10677299 (cited by Labcorp Genetics (formerly Invitae), Labcorp); PubMed 10814720 (cited by 4 submitters).